The following is an entry in ClinVar:

NM_001999.4(FBN2):c.8695C>G (p.Leu2899Val)

Gene: FBN2 (fibrillin 2; minus strand). Cytogenetic location: 5q23.3.
Variant type: single nucleotide variant.
Coding change: c.8695C>G on transcript NM_001999.4 (MANE Select); coding-DNA position 8695, C replaced by G.
Protein change: p.Leu2899Val; replaces leucine 2899 with valine.
Molecular consequence: missense variant.
Genome position (GRCh38, 1-based): chr5:128,259,499, G>C on the plus strand (C>G on the coding strand, the complement: FBN2 is on the minus strand). VCF-style: chr5-128259499-G-C. GRCh37 (hg19) VCF-style: chr5-127595191-G-C.
Other names: c.8695C>G (NM_001999.3); short protein forms L2899V.
Identifiers: ClinVar variation 1901956 (VCV001901956.6), dbSNP rs1427401706, ClinGen allele CA360744228.

ClinVar aggregate classification (germline): Uncertain significance. Review status: criteria provided, multiple submitters, no conflicts (2 of 4 stars). 2 submissions from 2 submitters: Uncertain significance (2). Last evaluated 2022-10-26.

Conditions:
Congenital contractural arachnodactyly (CCA). Also called: Arthrogryposis, distal, type 9; BEALS SYNDROME; Beals-Hecht syndrome. Identifiers: Orphanet 115, MedGen C0220668, MONDO:0007363, OMIM 121050.

Allele frequency attached by ClinVar (database versions not stated): gnomAD exomes below 0.00001; TOPMed below 0.00001; gnomAD 0.00001.
gnomAD v4.1: 4 of 1,613,396 alleles (0.00025%); highest among the groups gnomAD compares: Non-Finnish European, 0.00025%; no homozygotes.

Submissions (2):

GeneDx
Classification: Uncertain significance. Last evaluated: 2022-10-26. Review status: criteria provided, single submitter. Criteria: GeneDx Variant Classification Process June 2021. Collection method: clinical testing. Allele origin: germline. Affected: yes.
Comment: Not observed at significant frequency in large population cohorts (gnomAD); In silico analysis supports that this missense variant does not alter protein structure/function; Has not been previously published as pathogenic or benign to our knowledge

Labcorp Genetics (formerly Invitae), Labcorp
Classification: Uncertain significance for Congenital contractural arachnodactyly. Last evaluated: 2022-09-09. Review status: criteria provided, single submitter. Criteria: Invitae Variant Classification Sherloc (09022015). Collection method: clinical testing. Allele origin: germline.
Comment: This variant has not been reported in the literature in individuals affected with FBN2-related conditions. In summary, the available evidence is currently insufficient to determine the role of this variant in disease. Therefore, it has been classified as a Variant of Uncertain Significance. Advanced modeling of protein sequence and biophysical properties (such as structural, functional, and spatial information, amino acid conservation, physicochemical variation, residue mobility, and thermodynamic stability) performed at Invitae indicates that this missense variant is not expected to disrupt FBN2 protein function. This variant is not present in population databases (gnomAD no frequency). This sequence change replaces leucine, which is neutral and non-polar, with valine, which is neutral and non-polar, at codon 2899 of the FBN2 protein (p.Leu2899Val).